The following is an entry in ClinVar:

ClinVar aggregate classification (germline): Uncertain significance (1 of 4 stars; one submission).

Allele frequency attached by ClinVar (database versions not stated): gnomAD exomes below 0.00001; TOPMed 0.00001.
gnomAD v4.1: 2 of 1,517,692 alleles (0.00013%); highest among the groups gnomAD compares: Non-Finnish European, 0.00017%; no homozygotes.

Submission:

Labcorp Genetics (formerly Invitae), Labcorp
Classification: Uncertain significance. Last evaluated: 2023-03-08. Review status: criteria provided, single submitter. Criteria: Invitae Variant Classification Sherloc (09022015). Collection method: clinical testing. Allele origin: germline.
Comment: In summary, the available evidence is currently insufficient to determine the role of this variant in disease. Therefore, it has been classified as a Variant of Uncertain Significance. Advanced modeling of protein sequence and biophysical properties (such as structural, functional, and spatial information, amino acid conservation, physicochemical variation, residue mobility, and thermodynamic stability) performed at Invitae indicates that this missense variant is not expected to disrupt LOX protein function. This variant has not been reported in the literature in individuals affected with LOX-related conditions. This variant is not present in population databases (gnomAD no frequency). This sequence change replaces proline, which is neutral and non-polar, with leucine, which is neutral and non-polar, at codon 23 of the LOX protein (p.Pro23Leu).

NM_002317.7(LOX):c.68C>T (p.Pro23Leu)

Genes: LOX (lysyl oxidase; minus strand), SRFBP1 (serum response factor binding protein 1; plus strand). Cytogenetic location: 5q23.1.
Variant type: single nucleotide variant.
Coding change: c.68C>T on transcript NM_002317.7 (MANE Select); coding-DNA position 68, C replaced by T.
Protein change: p.Pro23Leu; replaces proline 23 with leucine.
Molecular consequence: missense variant.
Genome position (GRCh38, 1-based): chr5:122,077,918, G>A on the plus strand (C>T on the coding strand, the complement: LOX is on the minus strand). VCF-style: chr5-122077918-G-A. GRCh37 (hg19) VCF-style: chr5-121413613-G-A.
Other names: short protein forms P23L.
Identifiers: ClinVar variation 2997911 (VCV002997911.3), dbSNP rs1754691769, ClinGen allele CA360878670.